The following is an entry in ClinVar:

ClinVar aggregate classification (germline): Uncertain significance (1 of 4 stars; one submission).

Allele frequency attached by ClinVar (database versions not stated): gnomAD exomes below 0.00001 and 0.00012; gnomAD 0.00001; TOPMed 0.00005; 1000 Genomes Project 30x 0.00031.
gnomAD v4.1: 2 of 1,035,436 alleles (0.00019%); highest among the groups gnomAD compares: Admixed American, 0.01%; no homozygotes.

Submission:

Labcorp Genetics (formerly Invitae), Labcorp
Classification: Uncertain significance. Last evaluated: 2025-06-04. Review status: criteria provided, single submitter. Criteria: Invitae Variant Classification Sherloc (09022015). Collection method: clinical testing. Allele origin: germline.
Comment: This sequence change replaces phenylalanine, which is neutral and non-polar, with leucine, which is neutral and non-polar, at codon 1050 of the GRIN2D protein (p.Phe1050Leu). The frequency data for this variant in the population databases is considered unreliable, as metrics indicate poor data quality at this position in the gnomAD database. This variant has not been reported in the literature in individuals affected with GRIN2D-related conditions. ClinVar contains an entry for this variant (Variation ID: 1422602). Invitae Evidence Modeling of protein sequence and biophysical properties (such as structural, functional, and spatial information, amino acid conservation, physicochemical variation, residue mobility, and thermodynamic stability) indicates that this missense variant is not expected to disrupt GRIN2D protein function with a negative predictive value of 95%. In summary, the available evidence is currently insufficient to determine the role of this variant in disease. Therefore, it has been classified as a Variant of Uncertain Significance.

NM_000836.4(GRIN2D):c.3150C>A (p.Phe1050Leu)

Gene: GRIN2D (glutamate ionotropic receptor NMDA type subunit 2D; plus strand). Cytogenetic location: 19q13.33.
Variant type: single nucleotide variant.
Coding change: c.3150C>A on transcript NM_000836.4 (MANE Select); coding-DNA position 3150, C replaced by A.
Protein change: p.Phe1050Leu; replaces phenylalanine 1050 with leucine.
Molecular consequence: missense variant.
Genome position (GRCh38, 1-based): chr19:48,443,076, C>A. VCF-style: chr19-48443076-C-A. GRCh37 (hg19) VCF-style: chr19-48946333-C-A.
Other names: short protein forms F1050L.
Identifiers: ClinVar variation 1422602 (VCV001422602.8), dbSNP rs1216429412, ClinGen allele CA406674979.